The following is an entry in ClinVar:

NM_014727.3(KMT2B):c.4337C>T (p.Pro1446Leu)

Gene: KMT2B (lysine methyltransferase 2B; plus strand). Cytogenetic location: 19q13.12.
Variant type: single nucleotide variant.
Coding change: c.4337C>T on transcript NM_014727.3 (MANE Select); coding-DNA position 4337, C replaced by T.
Protein change: p.Pro1446Leu; replaces proline 1446 with leucine.
Molecular consequence: missense variant.
Genome position (GRCh38, 1-based): chr19:35,727,732, C>T. VCF-style: chr19-35727732-C-T. GRCh37 (hg19) VCF-style: chr19-36218633-C-T.
Other names: c.4337C>T (NM_014727.2); short protein forms P1446L.
Identifiers: ClinVar variation 2535953 (VCV002535953.3), dbSNP rs1161161079, ClinGen allele CA405413677.

ClinVar aggregate classification (germline): Uncertain significance. Review status: criteria provided, multiple submitters, no conflicts (2 of 4 stars). 2 submissions from 2 submitters: Uncertain significance (2). Last evaluated 2025-07-24.

Conditions:
Inborn genetic diseases. Identifiers: MedGen C0950123, MeSH D030342.

Allele frequency attached by ClinVar (database versions not stated): gnomAD 0.00001; TOPMed 0.00001.
gnomAD v4.1: 2 of 1,613,728 alleles (0.00012%); highest among the groups gnomAD compares: African/African-American, 0.0027%; no homozygotes.

Submissions (2):

GeneDx
Classification: Uncertain significance. Last evaluated: 2025-07-24. Review status: criteria provided, single submitter. Criteria: GeneDx Variant Classification Process June 2021. Collection method: clinical testing. Allele origin: germline. Affected: yes.
Comment: Not observed at significant frequency in large population cohorts (gnomAD); In silico analysis supports that this missense variant has a deleterious effect on protein structure/function; Has not been previously published as pathogenic or benign to our knowledge

Ambry Genetics
Classification: Uncertain significance for Inborn genetic diseases. Last evaluated: 2023-04-11. Review status: criteria provided, single submitter. Criteria: Ambry Variant Classification Scheme 2023. Collection method: clinical testing. Allele origin: germline.